The following is an entry in ClinVar:

NM_145239.3(PRRT2):c.905A>T (p.Asp302Val)

Genes: MVP-DT (MVP divergent transcript; minus strand), PRRT2 (proline rich transmembrane protein 2; plus strand). Cytogenetic location: 16p11.2.
Variant type: single nucleotide variant.
Coding change: c.905A>T on transcript NM_145239.3 (MANE Select); coding-DNA position 905, A replaced by T.
Protein change: p.Asp302Val; replaces aspartic acid 302 with valine.
Molecular consequence: missense variant. On other transcripts: 3 prime UTR variant (1).
Genome position (GRCh38, 1-based): chr16:29,814,358, A>T. VCF-style: chr16-29814358-A-T. GRCh37 (hg19) VCF-style: chr16-29825679-A-T.
Other names: c.905A>T, p.Asp302Val (NM_001256442.2); c.*404A>T (NM_001256443.2); short protein forms D302V.
Identifiers: ClinVar variation 2815392 (VCV002815392.3), dbSNP rs2543338928, ClinGen allele CA395480543.

ClinVar aggregate classification (germline): Uncertain significance (1 of 4 stars; one submission).

Conditions:
Episodic kinesigenic dyskinesia (EKD). Also called: Paroxysmal kinesigenic dyskinesia. Identifiers: Orphanet 98809, MedGen C1868682, MONDO:0044202.

Submission:

Labcorp Genetics (formerly Invitae), Labcorp
Classification: Uncertain significance for Episodic kinesigenic dyskinesia. Last evaluated: 2022-11-23. Review status: criteria provided, single submitter. Criteria: Invitae Variant Classification Sherloc (09022015). Collection method: clinical testing. Allele origin: germline.
Comment: This variant is not present in population databases (gnomAD no frequency). This variant has not been reported in the literature in individuals affected with PRRT2-related conditions. Advanced modeling of protein sequence and biophysical properties (such as structural, functional, and spatial information, amino acid conservation, physicochemical variation, residue mobility, and thermodynamic stability) performed at Invitae indicates that this missense variant is expected to disrupt PRRT2 protein function. In summary, the available evidence is currently insufficient to determine the role of this variant in disease. Therefore, it has been classified as a Variant of Uncertain Significance. This sequence change replaces aspartic acid, which is acidic and polar, with valine, which is neutral and non-polar, at codon 302 of the PRRT2 protein (p.Asp302Val).